The following is an entry in ClinVar:

ClinVar aggregate classification (germline): Uncertain significance. Review status: criteria provided, single submitter (1 of 4 stars). 2 submissions from 2 submitters: Uncertain significance (1). 1 of the submissions does not count toward it. Last evaluated 2024-10-07.

Conditions:
NOTCH2-related disorder. Also called: NOTCH2-related condition.
Hajdu-Cheney syndrome (HJCYS). Also called: Acroosteolysis dominant type; ACROOSTEOLYSIS WITH OSTEOPOROSIS AND CHANGES IN SKULL AND MANDIBLE; SERPENTINE FIBULA-POLYCYSTIC KIDNEY SYNDROME. Identifiers: Orphanet 955, MedGen C0917715, MONDO:0007057, OMIM 102500.

Allele frequency attached by ClinVar (database versions not stated): gnomAD 0.00001; gnomAD exomes 0.00001; TOPMed 0.00001; ESP Exome Variant Server 0.00008.
gnomAD v4.1: 9 of 1,613,998 alleles (0.00056%); highest among the groups gnomAD compares: Admixed American, 0.0017%; no homozygotes.

Submissions (2):

Labcorp Genetics (formerly Invitae), Labcorp
Classification: Uncertain significance for Hajdu-Cheney syndrome. Last evaluated: 2024-10-07. Review status: criteria provided, single submitter. Criteria: Invitae Variant Classification Sherloc (09022015). Collection method: clinical testing. Allele origin: germline.
Comment: This sequence change affects codon 1218 of the NOTCH2 mRNA. It is a 'silent' change, meaning that it does not change the encoded amino acid sequence of the NOTCH2 protein. It affects a nucleotide within the consensus splice site. This variant is present in population databases (rs373010632, gnomAD 0.003%). This variant has not been reported in the literature in individuals affected with NOTCH2-related conditions. Algorithms developed to predict the effect of sequence changes on RNA splicing suggest that this variant is not likely to affect RNA splicing. In summary, the available evidence is currently insufficient to determine the role of this variant in disease. Therefore, it has been classified as a Variant of Uncertain Significance.

PreventionGenetics, part of Exact Sciences
Classification: Likely benign for NOTCH2-related condition. Last evaluated: 2020-03-19. Review status: no assertion criteria provided. Collection method: clinical testing. Allele origin: germline. Not counted in ClinVar's aggregate classification.
Comment: This variant is classified as likely benign based on ACMG/AMP sequence variant interpretation guidelines (Richards et al. 2015 PMID: 25741868, with internal and published modifications).

NM_024408.4(NOTCH2):c.3654G>A (p.Arg1218=)

Gene: NOTCH2 (notch receptor 2; minus strand). Cytogenetic location: 1p12.
Variant type: single nucleotide variant.
Coding change: c.3654G>A on transcript NM_024408.4 (MANE Select); coding-DNA position 3654, G replaced by A.
Protein change: p.Arg1218=; no amino-acid change (arginine 1218 retained).
Molecular consequence: synonymous variant.
Genome position (GRCh38, 1-based): chr1:119,935,473, C>T on the plus strand (G>A on the coding strand, the complement: NOTCH2 is on the minus strand). VCF-style: chr1-119935473-C-T. GRCh37 (hg19) VCF-style: chr1-120478096-C-T.
Other names: c.3654G>A, p.Arg1218= (NM_001200001.2).
Identifiers: ClinVar variation 3046934 (VCV003046934.4), dbSNP rs373010632, ClinGen allele CA30279097.
Genomic context (GRCh38, chr1:119,935,473, plus strand): 5'-ATGGATTTATAACTTAAGACAATGCCCTGGATGGAAAATGGATAAGGATGATTTCATACC[C>T]CGAGTGCCTGGTGGGCAAGAGCACTTGAAATGGTTCACAAGGTCAATACAGGTGCCTCCA-3'
Protein context (NP_077719.2, residues 1208-1228): HFKCSCPPGT[Arg1218=]GLLCEENIDD